The following is an entry in ClinVar:

ClinVar aggregate classification (germline): Uncertain significance (1 of 4 stars; one submission).

Submission:

GeneDx
Classification: Uncertain significance. Last evaluated: 2017-01-30. Review status: criteria provided, single submitter. Criteria: GeneDx Variant Classification (06012015). Collection method: clinical testing. Allele origin: germline. Affected: yes.
Comment: The N604K variant in the AARS gene has not been reported previously as a pathogenic variant, nor as a benign variant, to our knowledge. The N604K variant was not observed in approximately 6,500 individuals of European and African American ancestry in the NHLBI Exome Sequencing Project, indicating it is not a common benign variant in these populations. The N604K variant is a semi-conservative amino acid substitution, which may impact secondary protein structure as these residues differ in some properties. This substitution occurs at a position that is conserved across species. In silico analysis predicts this variant is probably damaging to the protein structure/function. A missense variant in a nearby residue (T608M) has been reported in the Human Gene Mutation Database in association with peripheral neuropathy (Stenson et al., 2014), supporting the functional importance of this region of the protein. We interpret N604K as a variant of uncertain significance.

NM_001605.3(AARS1):c.1812C>G (p.Asn604Lys)

Gene: AARS1 (alanyl-tRNA synthetase 1; minus strand). Cytogenetic location: 16q22.1.
Variant type: single nucleotide variant.
Coding change: c.1812C>G on transcript NM_001605.3 (MANE Select); coding-DNA position 1812, C replaced by G.
Protein change: p.Asn604Lys; replaces asparagine 604 with lysine.
Molecular consequence: missense variant.
Genome position (GRCh38, 1-based): chr16:70,259,160, G>C on the plus strand (C>G on the coding strand, the complement: AARS1 is on the minus strand). VCF-style: chr16-70259160-G-C. GRCh37 (hg19) VCF-style: chr16-70293063-G-C.
Other names: short protein forms N604K.
Identifiers: ClinVar variation 393118 (VCV000393118.2), dbSNP rs1057524796, ClinGen allele CA16607470.